The following is an entry in ClinVar:

ClinVar aggregate classification (germline): Benign/Likely benign. Review status: criteria provided, multiple submitters, no conflicts (2 of 4 stars). 8 submissions from 8 submitters: Benign (2); Likely benign (3). 3 of the submissions do not count toward it. Last evaluated 2026-02-01.

Conditions:
Hecht syndrome (DA7). Also called: Dutch-Kentucky syndrome; MOUTH, INABILITY TO OPEN COMPLETELY, AND SHORT FINGER-FLEXOR TENDONS. Identifiers: Orphanet 3377, MedGen C0265226, MONDO:0008016, OMIM 158300. Disease mechanism: gain of function.
MYH8-related disorder. Also called: MYH8-related condition.

Allele frequency attached by ClinVar (database versions not stated): ESP Exome Variant Server 0.00531; gnomAD exomes 0.00588 and 0.00476; 1000 Genomes Project 0.00180; 1000 Genomes Project 30x 0.00219; TOPMed 0.00429; gnomAD 0.00434 and 0.00446; ExAC 0.00521.
gnomAD v4.1: 9,183 of 1,614,214 alleles (0.57%); highest among the groups gnomAD compares: Non-Finnish European, 0.68%; 43 homozygotes.

Submissions (8):

CeGaT Center for Human Genetics Tuebingen
Classification: Likely benign. Last evaluated: 2026-02-01. Review status: criteria provided, single submitter. Criteria: CeGaT Center For Human Genetics Tuebingen Variant Classification Criteria Version 2. Collection method: clinical testing. Allele origin: germline. Affected: yes. Observed: 8 variant alleles.
Comment: MYH8: BS2

GeneDx
Classification: Benign. Last evaluated: 2021-07-26. Review status: criteria provided, single submitter. Criteria: GeneDx Variant Classification Process June 2021. Collection method: clinical testing. Allele origin: germline. Affected: yes.
Comment: See Variant Classification Assertion Criteria.

Labcorp Genetics (formerly Invitae), Labcorp
Classification: Benign. Last evaluated: 2019-12-31. Review status: criteria provided, single submitter. Criteria: Invitae Variant Classification Sherloc (09022015). Collection method: clinical testing. Allele origin: germline.

Illumina Laboratory Services, Illumina
Classification: Likely benign for Hecht syndrome. Last evaluated: 2018-01-12. Review status: criteria provided, single submitter. Criteria: ICSL Variant Classification Criteria 13 December 2019. Collection method: clinical testing. Allele origin: germline.
Comment: This variant was observed in the ICSL laboratory as part of a predisposition screen in an ostensibly healthy population. It had not been previously curated by ICSL or reported in the Human Gene Mutation Database (HGMD: prior to June 1st, 2018), and was therefore a candidate for classification through an automated scoring system. Utilizing variant allele frequency, disease prevalence and penetrance estimates, and inheritance mode, an automated score was calculated to assess if this variant is too frequent to cause the disease. Based on the score and internal cut-off values, a variant classified as likely benign is not then subjected to further curation. The score for this variant resulted in a classification of likely benign for this disease.

Center for Pediatric Genomic Medicine, Children's Mercy Hospital and Clinics
Classification: Likely benign. Last evaluated: 2017-06-29. Review status: criteria provided, single submitter. Criteria: ACMG Guidelines, 2015. Collection method: clinical testing. Allele origin: germline.

PreventionGenetics, part of Exact Sciences
Classification: Likely benign for MYH8-related condition. Last evaluated: 2019-06-05. Review status: no assertion criteria provided. Collection method: clinical testing. Allele origin: germline. Not counted in ClinVar's aggregate classification.
Comment: This variant is classified as likely benign based on ACMG/AMP sequence variant interpretation guidelines (Richards et al. 2015 PMID: 25741868, with internal and published modifications).

Clinical Genetics, Academic Medical Center
Classification: Likely benign. Review status: no assertion criteria provided. Collection method: clinical testing. Allele origin: germline. Affected: yes. Study: VKGL Data-share Consensus. Not counted in ClinVar's aggregate classification.

Diagnostic Laboratory, Department of Genetics, University Medical Center Groningen
Classification: Benign. Review status: no assertion criteria provided. Collection method: clinical testing. Allele origin: germline. Affected: yes. Study: VKGL Data-share Consensus. Not counted in ClinVar's aggregate classification.

NM_002472.3(MYH8):c.5513A>C (p.Glu1838Ala)

Genes: MYH8 (myosin heavy chain 8; minus strand), MYHAS (myosin heavy chain gene cluster antisense RNA; plus strand), LOC126862493 (BRD4-independent group 4 enhancer GRCh37_chr17:10295275-10296474; plus strand). Cytogenetic location: 17p13.1.
Variant type: single nucleotide variant.
Coding change: c.5513A>C on transcript NM_002472.3 (MANE Select); coding-DNA position 5513, A replaced by C.
Protein change: p.Glu1838Ala; replaces glutamic acid 1838 with alanine.
Molecular consequence: missense variant.
Genome position (GRCh38, 1-based): chr17:10,392,597, T>G on the plus strand (A>C on the coding strand, the complement: MYH8 is on the minus strand). VCF-style: chr17-10392597-T-G. GRCh37 (hg19) VCF-style: chr17-10295914-T-G.
Other names: short protein forms E1838A.
Identifiers: ClinVar variation 445512 (VCV000445512.39), dbSNP rs111567318, ClinGen allele CA8387011.
Genomic context (GRCh38, chr17:10,392,597, plus strand): 5'-TTTACCTGGTAGGTGAGTTCTTTTACTCGTCGCTCATGTTTCCGTAAACCTTTAACAGCC[T>G]CTGCATTACGTTTCTGTTCATTTTCAACCTCTCCTTCAAGCTCACGTACCTGCAGCCAAG-3'
Protein context (NP_002463.2, residues 1828-1848): EVENEQKRNA[Glu1838Ala]AVKGLRKHER